The following is an entry in ClinVar:

NM_020778.5(ALPK3):c.4498G>C (p.Glu1500Gln)

Gene: ALPK3 (alpha kinase 3; plus strand). Cytogenetic location: 15q25.3.
Variant type: single nucleotide variant.
Coding change: c.4498G>C on transcript NM_020778.5 (MANE Select); coding-DNA position 4498, G replaced by C.
Protein change: p.Glu1500Gln; replaces glutamic acid 1500 with glutamine.
Molecular consequence: missense variant.
Genome position (GRCh38, 1-based): chr15:84,863,639, G>C. VCF-style: chr15-84863639-G-C. GRCh37 (hg19) VCF-style: chr15-85406870-G-C.
Other names: c.5104G>C (NM_020778.4); short protein forms E1500Q.
Identifiers: ClinVar variation 2782162 (VCV002782162.4), dbSNP rs1387554674, ClinGen allele CA393363960.

ClinVar aggregate classification (germline): Uncertain significance. Review status: criteria provided, multiple submitters, no conflicts (2 of 4 stars). 2 submissions from 2 submitters: Uncertain significance (2). Last evaluated 2024-08-28.

Conditions:
Cardiovascular phenotype. Identifiers: MedGen CN230736.

Allele frequency attached by ClinVar (database versions not stated): gnomAD 0.00001; gnomAD exomes 0.00001; TOPMed 0.00002.
gnomAD v4.1: 11 of 1,613,738 alleles (0.00068%); highest among the groups gnomAD compares: Non-Finnish European, 0.00093%; no homozygotes.

Submissions (2):

Ambry Genetics
Classification: Uncertain significance for Cardiovascular phenotype. Last evaluated: 2024-08-28. Review status: criteria provided, single submitter. Criteria: Ambry Variant Classification Scheme 2023. Collection method: clinical testing. Allele origin: germline.

Labcorp Genetics (formerly Invitae), Labcorp
Classification: Uncertain significance. Last evaluated: 2024-02-29. Review status: criteria provided, single submitter. Criteria: Invitae Variant Classification Sherloc (09022015). Collection method: clinical testing. Allele origin: germline.
Comment: This sequence change replaces glutamic acid, which is acidic and polar, with glutamine, which is neutral and polar, at codon 1702 of the ALPK3 protein (p.Glu1702Gln). This variant is not present in population databases (gnomAD no frequency). This variant has not been reported in the literature in individuals affected with ALPK3-related conditions. An algorithm developed to predict the effect of missense changes on protein structure and function (PolyPhen-2) suggests that this variant is likely to be disruptive. In summary, the available evidence is currently insufficient to determine the role of this variant in disease. Therefore, it has been classified as a Variant of Uncertain Significance.